The following is an entry in ClinVar:

NM_000687.4(AHCY):c.1133A>G (p.Lys378Arg)

Gene: AHCY (adenosylhomocysteinase; minus strand). Cytogenetic location: 20q11.22.
Variant type: single nucleotide variant.
Coding change: c.1133A>G on transcript NM_000687.4 (MANE Select); coding-DNA position 1133, A replaced by G.
Protein change: p.Lys378Arg; replaces lysine 378 with arginine.
Molecular consequence: missense variant.
Genome position (GRCh38, 1-based): chr20:34,285,474, T>C on the plus strand (A>G on the coding strand, the complement: AHCY is on the minus strand). VCF-style: chr20-34285474-T-C. GRCh37 (hg19) VCF-style: chr20-32873280-T-C.
Other names: c.1133A>G (NM_000687.2); c.1049A>G, p.Lys350Arg (NM_001161766.2, NM_001322084.2, NM_001322085.2); c.1139A>G, p.Lys380Arg (NM_001322086.2); c.1133A>G, p.Lys378Arg (NM_001362750.2); short protein forms K350R, K378R, K380R.
Identifiers: ClinVar variation 2148656 (VCV002148656.4), dbSNP rs762260983, ClinGen allele CA9820772.

ClinVar aggregate classification (germline): Uncertain significance. Review status: criteria provided, multiple submitters, no conflicts (2 of 4 stars). 2 submissions from 2 submitters: Uncertain significance (2). Last evaluated 2021-12-19.

Conditions:
Inborn genetic diseases. Identifiers: MedGen C0950123, MeSH D030342.
Hypermethioninemia with deficiency of S-adenosylhomocysteine hydrolase. Identifiers: Orphanet 88618, MedGen C3151058, MONDO:0013404, OMIM 613752.

Allele frequency attached by ClinVar (database versions not stated): gnomAD exomes 0.00001; ExAC 0.00002; TOPMed 0.00002.
gnomAD v4.1: 12 of 1,614,080 alleles (0.00074%); highest among the groups gnomAD compares: East Asian, 0.0067%; no homozygotes.

Submissions (2):

Labcorp Genetics (formerly Invitae), Labcorp
Classification: Uncertain significance for Hypermethioninemia with deficiency of S-adenosylhomocysteine hydrolase. Last evaluated: 2021-12-19. Review status: criteria provided, single submitter. Criteria: Invitae Variant Classification Sherloc (09022015). Collection method: clinical testing. Allele origin: germline.
Comment: In summary, the available evidence is currently insufficient to determine the role of this variant in disease. Therefore, it has been classified as a Variant of Uncertain Significance. Algorithms developed to predict the effect of missense changes on protein structure and function are either unavailable or do not agree on the potential impact of this missense change (SIFT: "Not Available"; PolyPhen-2: "Benign"; Align-GVGD: "Not Available"). This variant has not been reported in the literature in individuals affected with AHCY-related conditions. This variant is present in population databases (rs762260983, gnomAD 0.007%). This sequence change replaces lysine, which is basic and polar, with arginine, which is basic and polar, at codon 378 of the AHCY protein (p.Lys378Arg).

Ambry Genetics
Classification: Uncertain significance for Inborn genetic diseases. Last evaluated: 2021-09-21. Review status: criteria provided, single submitter. Criteria: Ambry Variant Classification Scheme 2023. Collection method: clinical testing. Allele origin: germline.